The following is an entry in ClinVar:

NM_000059.4(BRCA2):c.8756_8758dup (p.Gly2919_Tyr2920insCys)

Gene: BRCA2 (BRCA2 DNA repair associated; plus strand). Cytogenetic location: 13q13.1.
Variant type: Duplication.
Coding change: c.8756_8758dup on transcript NM_000059.4 (MANE Select); coding-DNA positions 8756 to 8758, 3 bases duplicated (GTT; older notation c.8756_8758dupGTT).
Protein change: p.Gly2919_Tyr2920insCys.
Molecular consequence: inframe insertion. On other transcripts: inframe indel (4).
Genome position (GRCh38, 1-based): chr13:32,379,318-32,379,320, GTT duplicated. VCF-style (leftmost placement, unchanged base first): chr13-32379317-G-GGTT. GRCh37 (hg19) VCF-style: chr13-32953454-G-GGTT.
Other names: c.8660_8662dup, p.Gly2887_Tyr2888insCys (NM_001406719.1); c.8756_8758dup, p.Gly2919_Tyr2920insCys (NM_001406720.1); c.3824_3826dup, p.Gly1275_Tyr1276insCys (NM_001406721.1); c.2339_2341dup, p.Gly780_Tyr781insCys (NM_001406722.1); c.8756_8758dupGTT (NM_000059.3).
Identifiers: ClinVar variation 2126869 (VCV002126869.10), dbSNP rs2548554901, ClinGen allele CA2580087454.

ClinVar aggregate classification (germline): Uncertain significance. Review status: criteria provided, multiple submitters, no conflicts (2 of 4 stars). 4 submissions from 4 submitters: Uncertain significance (4). Last evaluated 2025-06-13.

Conditions:
Hereditary cancer-predisposing syndrome. Also called: Hereditary neoplastic syndrome; Tumor predisposition; Hereditary Cancer Syndrome; Neoplastic Syndromes, Hereditary. Identifiers: Orphanet 140162, MedGen C0027672, MeSH D009386, MONDO:0015356.
Hereditary breast ovarian cancer syndrome. Also called: Hereditary breast and ovarian cancer syndrome; BRCA1- and BRCA2-Associated Hereditary Breast and Ovarian Cancer; Hereditary breast and ovarian cancer syndrome (HBOC); Hereditary breast and/or ovarian cancer syndrome; Hereditary breast and ovarian cancer; Breast and ovarian cancer. Identifiers: Orphanet 145, MedGen C0677776, MeSH D061325, MONDO:0003582. Disease mechanism: loss of function.

Submissions (4):

Quest Diagnostics Nichols Institute San Juan Capistrano
Classification: Uncertain significance. Last evaluated: 2025-06-13. Review status: criteria provided, single submitter. Criteria: Quest Diagnostics criteria. Collection method: clinical testing. Allele origin: unknown.
Comment: The BRCA2 c.8756_8758dup (p.Gly2919_Tyr2920insCys) variant has not been reported in individuals with BRCA2-related conditions in the published literature. It also has not been reported in large, multi-ethnic general populations (Genome Aggregation Database). Based on the available information, we are unable to determine the clinical significance of this variant.

Ambry Genetics
Classification: Uncertain significance for Hereditary cancer-predisposing syndrome. Last evaluated: 2025-05-30. Review status: criteria provided, single submitter. Criteria: Ambry Variant Classification Scheme 2023. Collection method: clinical testing. Allele origin: germline.
Comment: The c.8756_8758dupGTT variant (also known as p.G2919_Y2920insC), located in coding exon 21 of the BRCA2 gene, results from an in-frame duplication of GTT at nucleotide positions 8756 to 8758. This results in the insertion of 1 extra residue (cysteine) between codons 2919 and 2920. This amino acid region is not well conserved in available vertebrate species. In addition, this alteration is predicted to be neutral by in silico analysis (Choi Y et al. PLoS ONE. 2012; 7(10):e46688). In silico splice site analysis predicts that this alteration may result in the creation or strengthening of a novel splice acceptor site. Based on the available evidence, the clinical significance of this variant remains unclear.

Labcorp Genetics (formerly Invitae), Labcorp
Classification: Uncertain significance for Hereditary breast ovarian cancer syndrome. Last evaluated: 2024-06-11. Review status: criteria provided, single submitter. Criteria: Invitae Variant Classification Sherloc (09022015). Collection method: clinical testing. Allele origin: germline.
Comment: This variant, c.8756_8758dup, results in the insertion of 1 amino acid(s) of the BRCA2 protein (p.Gly2919_Tyr2920insCys), but otherwise preserves the integrity of the reading frame. This variant is not present in population databases (gnomAD no frequency). This variant has not been reported in the literature in individuals affected with BRCA2-related conditions. ClinVar contains an entry for this variant (Variation ID: 2126869). In summary, the available evidence is currently insufficient to determine the role of this variant in disease. Therefore, it has been classified as a Variant of Uncertain Significance.

Color Diagnostics, LLC DBA Color Health
Classification: Uncertain significance for Hereditary cancer-predisposing syndrome. Last evaluated: 2023-09-12. Review status: criteria provided, single submitter. Criteria: ACMG Guidelines, 2015. Collection method: clinical testing. Allele origin: germline.
Comment: This variant causes an in-frame insertion of one amino acid in the BRCA2 protein. To our knowledge, functional studies have not been reported for this variant. This variant has not been reported in individuals affected with BRCA2-related disorders in the literature. This variant has not been identified in the general population by the Genome Aggregation Database (gnomAD). The available evidence is insufficient to determine the role of this variant in disease conclusively. Therefore, this variant is classified as a Variant of Uncertain Significance.